The following is an entry in ClinVar:

NM_002528.7(NTHL1):c.288C>A (p.Asn96Lys)

Gene: NTHL1 (nth like DNA glycosylase 1; minus strand). Cytogenetic location: 16p13.3.
Variant type: single nucleotide variant.
Coding change: c.288C>A on transcript NM_002528.7 (MANE Select); coding-DNA position 288, C replaced by A.
Protein change: p.Asn96Lys; replaces asparagine 96 with lysine.
Molecular consequence: missense variant. On other transcripts: intron variant (1).
Genome position (GRCh38, 1-based): chr16:2,046,194, G>T on the plus strand (C>A on the coding strand, the complement: NTHL1 is on the minus strand). VCF-style: chr16-2046194-G-T. GRCh37 (hg19) VCF-style: chr16-2096195-G-T.
Other names: c.288C>A, p.Asn96Lys (NM_001318193.2); c.24+86C>A (NM_001318194.2); short protein forms N96K.
Identifiers: ClinVar variation 5025894 (VCV005025894.1).
Genomic context (GRCh38, chr16:2,046,194, plus strand): 5'-GGGGGCACTGGAGTCATAGCAGTGCTCAGTCCCCAGATGGTCCACAGGTGCATCCTTTTT[G>T]TTCCTCATGGCACGGATGTTGACCAGCTGTTGCTGCCAGTCCTGGGGCTCCCAGACTGGC-3'
Protein context (NP_002519.2, residues 86-106): QQLVNIRAMR[Asn96Lys]KKDAPVDHLG

ClinVar aggregate classification (germline): Uncertain significance (1 of 4 stars; one submission).

Conditions:
Hereditary cancer-predisposing syndrome. Also called: Neoplastic Syndromes, Hereditary; Tumor predisposition; Hereditary neoplastic syndrome; Hereditary Cancer Syndrome. Identifiers: Orphanet 140162, MedGen C0027672, MeSH D009386, MONDO:0015356.

Submission:

Ambry Genetics
Classification: Uncertain significance for Hereditary cancer-predisposing syndrome. Last evaluated: 2026-07-07. Review status: criteria provided, single submitter. Criteria: Ambry Variant Classification Scheme 2023. Collection method: clinical testing. Allele origin: germline.
Comment: The p.N104K variant (also known as c.312C>A), located in coding exon 2 of the NTHL1 gene, results from a C to A substitution at nucleotide position 312. The asparagine at codon 104 is replaced by lysine, an amino acid with similar properties. This amino acid position is conserved. In addition, this alteration is predicted to be tolerated by in silico analysis. Based on the available evidence, the clinical significance of this variant remains unclear.